The following is an entry in ClinVar:

ClinVar aggregate classification (germline): Uncertain significance. Review status: criteria provided, multiple submitters, no conflicts (2 of 4 stars). 2 submissions from 2 submitters: Uncertain significance (2). Last evaluated 2025-08-13.

Conditions:
Hereditary sensory and autonomic neuropathy type 7. Also called: HSAN VII; Neuropathy, hereditary sensory and autonomic, type VII. Identifiers: Orphanet 391397, MedGen C3809882, MONDO:0014244, OMIM 615548.
Familial episodic pain syndrome with predominantly lower limb involvement. Also called: Episodic pain syndrome, familial, 3. Identifiers: Orphanet 391384, Orphanet 391392, MedGen C3809899, MONDO:0014247, OMIM 615552.

Allele frequency attached by ClinVar (database versions not stated): gnomAD 0.00001; gnomAD exomes 0.00002 and 0.00001.
gnomAD v4.1: 18 of 1,613,792 alleles (0.0011%); highest among the groups gnomAD compares: Non-Finnish European, 0.0015%; no homozygotes.

Submissions (2):

GeneDx
Classification: Uncertain significance. Last evaluated: 2025-08-13. Review status: criteria provided, single submitter. Criteria: GeneDx Variant Classification Process June 2021. Collection method: clinical testing. Allele origin: germline. Affected: yes.
Comment: In silico analysis supports that this missense variant has a deleterious effect on protein structure/function; Has not been previously published as pathogenic or benign to our knowledge

Labcorp Genetics (formerly Invitae), Labcorp
Classification: Uncertain significance for Familial episodic pain syndrome with predominantly lower limb involvement; Hereditary sensory and autonomic neuropathy type 7. Last evaluated: 2020-07-26. Review status: criteria provided, single submitter. Criteria: Invitae Variant Classification Sherloc (09022015). Collection method: clinical testing. Allele origin: germline.
Comment: In summary, the available evidence is currently insufficient to determine the role of this variant in disease. Therefore, it has been classified as a Variant of Uncertain Significance. Algorithms developed to predict the effect of missense changes on protein structure and function (SIFT, PolyPhen-2, Align-GVGD) all suggest that this variant is likely to be disruptive, but these predictions have not been confirmed by published functional studies and their clinical significance is uncertain. This variant has not been reported in the literature in individuals with SCN11A-related conditions. This variant is not present in population databases (ExAC no frequency). This sequence change replaces arginine with tryptophan at codon 1421 of the SCN11A protein (p.Arg1421Trp). The arginine residue is highly conserved and there is a moderate physicochemical difference between arginine and tryptophan.

NM_001349253.2(SCN11A):c.4261A>T (p.Arg1421Trp)

Gene: SCN11A (sodium voltage-gated channel alpha subunit 11; minus strand). Cytogenetic location: 3p22.2.
Variant type: single nucleotide variant.
Coding change: c.4261A>T on transcript NM_001349253.2 (MANE Select); coding-DNA position 4261, A replaced by T.
Protein change: p.Arg1421Trp; replaces arginine 1421 with tryptophan.
Molecular consequence: missense variant.
Genome position (GRCh38, 1-based): chr3:38,850,547, T>A on the plus strand (A>T on the coding strand, the complement: SCN11A is on the minus strand). VCF-style: chr3-38850547-T-A. GRCh37 (hg19) VCF-style: chr3-38892038-T-A.
Other names: c.4261A>T, p.Arg1421Trp (NM_014139.3); c.4261A>T (NM_014139.2); short protein forms R1421W.
Identifiers: ClinVar variation 1009603 (VCV001009603.5), dbSNP rs1224338798, ClinGen allele CA352165370.
Genomic context (GRCh38, chr3:38,850,547, plus strand): 5'-TGGAAAGAAGCACGACCACACAGTCAAATAAATTCCAGCCATTGGTGAAGTAGTATTGCC[T>A]CAAAGCAAAGATTTTGATGAGACATTCTAACGTAAAGATGACCACAAAGACCCAGTTGAG-3'
Protein context (NP_001336182.1, residues 1411-1431): LECLIKIFAL[Arg1421Trp]QYYFTNGWNL